The following is an entry in ClinVar:

ClinVar aggregate classification (germline): Uncertain significance (1 of 4 stars; one submission).

Conditions:
Hereditary sensory neuropathy-deafness-dementia syndrome. Also called: HSN IE; NEUROPATHY, HEREDITARY SENSORY, WITH HEARING LOSS AND DEMENTIA; Hereditary Sensory and Autonomic Neuropathy Type 1E (HSAN1E); Hereditary sensory neuropathy type IE. Identifiers: Orphanet 456318, MedGen C3279885, MONDO:0013584, OMIM 614116.

gnomAD v4.1: 6 of 1,613,664 alleles (0.00037%); highest among the groups gnomAD compares: Admixed American, 0.0017%; no homozygotes.

Submission:

Labcorp Genetics (formerly Invitae), Labcorp
Classification: Uncertain significance for Hereditary sensory neuropathy-deafness-dementia syndrome. Last evaluated: 2025-08-28. Review status: criteria provided, single submitter. Criteria: Invitae Variant Classification Sherloc (09022015). Collection method: clinical testing. Allele origin: germline.
Comment: This sequence change replaces arginine, which is basic and polar, with leucine, which is neutral and non-polar, at codon 136 of the DNMT1 protein (p.Arg136Leu). This variant is present in population databases (rs775139340, gnomAD 0.003%). This variant has not been reported in the literature in individuals affected with DNMT1-related conditions. An algorithm developed to predict the effect of missense changes on protein structure and function (PolyPhen-2) suggests that this variant is likely to be tolerated. In summary, the available evidence is currently insufficient to determine the role of this variant in disease. Therefore, it has been classified as a Variant of Uncertain Significance.

NM_001130823.3(DNMT1):c.407G>T (p.Arg136Leu)

Gene: DNMT1 (DNA methyltransferase 1; minus strand). Cytogenetic location: 19p13.2.
Variant type: single nucleotide variant.
Coding change: c.407G>T on transcript NM_001130823.3 (MANE Select); coding-DNA position 407, G replaced by T.
Protein change: p.Arg136Leu; replaces arginine 136 with leucine.
Molecular consequence: missense variant.
Genome position (GRCh38, 1-based): chr19:10,180,388, C>A on the plus strand (G>T on the coding strand, the complement: DNMT1 is on the minus strand). VCF-style: chr19-10180388-C-A. GRCh37 (hg19) VCF-style: chr19-10291064-C-A.
Other names: c.407G>T, p.Arg136Leu (NM_001318730.2, NM_001379.4); c.44G>T, p.Arg15Leu (NM_001318731.2); short protein forms R136L, R15L.
Identifiers: ClinVar variation 4780711 (VCV004780711.1).